The following is an entry in ClinVar:

ClinVar aggregate classification (germline): Pathogenic (1 of 4 stars; one submission).

Conditions:
Primary ciliary dyskinesia. Also called: Ciliary dyskinesia. Identifiers: Orphanet 244, MedGen C0008780, MONDO:0016575, HP:0012265.

Submission:

Labcorp Genetics (formerly Invitae), Labcorp
Classification: Pathogenic for Primary ciliary dyskinesia. Last evaluated: 2025-10-03. Review status: criteria provided, single submitter. Criteria: Invitae Variant Classification Sherloc (09022015). Collection method: clinical testing. Allele origin: germline.
Comment: This sequence change creates a premature translational stop signal (p.Gly1003*) in the RPGR (ORF15) gene. While this is not anticipated to result in nonsense mediated decay, it is expected to disrupt the last 150 amino acid(s) of the RPGR (ORF15) protein. This variant is not present in population databases (gnomAD no frequency). This variant has not been reported in the literature in individuals affected with RPGR (ORF15)-related conditions. This variant disrupts a region of the RPGR (ORF15) protein in which other variant(s) (p.Asn1132Thrfs*20) have been determined to be pathogenic (PMID: 18552978, 25283059). This suggests that this is a clinically significant region of the protein, and that variants that disrupt it are likely to be disease-causing. For these reasons, this variant has been classified as Pathogenic.

Literature cited by the submitters: PubMed 18552978; PubMed 25283059.

NM_001034853.2(RPGR):c.3007G>T (p.Gly1003Ter)

Gene: RPGR (retinitis pigmentosa GTPase regulator; minus strand). Cytogenetic location: Xp11.4.
Variant type: single nucleotide variant.
Coding change: c.3007G>T on transcript NM_001034853.2 (MANE Select); coding-DNA position 3007, G replaced by T.
Protein change: p.Gly1003Ter; replaces glycine 1003 with a stop codon.
Molecular consequence: nonsense. On other transcripts: intron variant (8).
Genome position (GRCh38, 1-based): chrX:38,285,992, C>A on the plus strand (G>T on the coding strand, the complement: RPGR is on the minus strand). VCF-style: chrX-38285992-C-A. GRCh37 (hg19) VCF-style: chrX-38145245-C-A.
Other names: c.1569+4967G>T (NM_001367249.1, NM_001367250.1); c.1902+1102G>T (NM_001367245.1); c.1386+4967G>T (NM_001367251.1); c.1719+1102G>T (NM_001367246.1); c.1572+4967G>T (NM_001367247.1); c.1905+1102G>T (NM_000328.3); c.1602+4967G>T (NM_001367248.1); short protein forms G1003*.
Identifiers: ClinVar variation 4728390 (VCV004728390.1).
Genomic context (GRCh38, chrX:38,285,992, plus strand): 5'-CTTCCACTTCCCCTTCCTCTTCTTCCTCCCCTTCTCCCTCCCCTTCTTCCTCTCCCTCTC[C>A]TTCTTCCTCCCCTTCTTCTTCCCCTTCCTCCTCTTCCCCCTCCCCTTCTCCTTCCTCCTC-3'